The following is an entry in ClinVar:

ClinVar aggregate classification (germline): Uncertain significance (1 of 4 stars; one submission).

Conditions:
Cholestanol storage disease (CTX). Also called: CEREBRAL CHOLESTERINOSIS; CTX: Cerebrotendinous xanthomatosis; Cerebrotendinous Xanthomatosis. Identifiers: Orphanet 909, MedGen C0238052, MONDO:0008948, OMIM 213700.

Allele frequency attached by ClinVar (database versions not stated): gnomAD 0.00001; TOPMed 0.00001; ExAC 0.00002.
gnomAD v4.1: 7 of 1,606,876 alleles (0.00044%); highest among the groups gnomAD compares: Admixed American, 0.0017%; no homozygotes.

Submission:

Labcorp Genetics (formerly Invitae), Labcorp
Classification: Uncertain significance for Cholestanol storage disease. Last evaluated: 2022-06-15. Review status: criteria provided, single submitter. Criteria: Invitae Variant Classification Sherloc (09022015). Collection method: clinical testing. Allele origin: germline.
Comment: This sequence change falls in intron 5 of the CYP27A1 gene. It does not directly change the encoded amino acid sequence of the CYP27A1 protein. It affects a nucleotide within the consensus splice site. The frequency data for this variant in the population databases is considered unreliable, as metrics indicate poor data quality at this position in the gnomAD database. This variant has not been reported in the literature in individuals affected with CYP27A1-related conditions. Variants that disrupt the consensus splice site are a relatively common cause of aberrant splicing (PMID: 17576681, 9536098). Algorithms developed to predict the effect of sequence changes on RNA splicing suggest that this variant is not likely to affect RNA splicing. In summary, the available evidence is currently insufficient to determine the role of this variant in disease. Therefore, it has been classified as a Variant of Uncertain Significance.

Literature cited by the submitters: PubMed 17576681; PubMed 9536098.

NM_000784.4(CYP27A1):c.1017+4C>T

Gene: CYP27A1 (cytochrome P450 family 27 subfamily A member 1; plus strand). Cytogenetic location: 2q35.
Variant type: single nucleotide variant.
Coding change: c.1017+4C>T on transcript NM_000784.4 (MANE Select); 4 bases into the intron after coding-DNA position 1017, C replaced by T.
Molecular consequence: intron variant.
Genome position (GRCh38, 1-based): chr2:218,813,100, C>T. VCF-style: chr2-218813100-C-T. GRCh37 (hg19) VCF-style: chr2-219677823-C-T.
Identifiers: ClinVar variation 1441883 (VCV001441883.5), dbSNP rs763008570, ClinGen allele CA2112771.
Genomic context (GRCh38, chr2:218,813,100, plus strand): 5'-AGTCCTCGGGAGGCCATGGGCAGCCTGCCTGAGCTGCTCATGGCTGGAGTGGACACGGTG[C>T]GTGAAGGGGGAGGGTGAGACCAGGGGCCCCCAGCTCCCAACCTGAACCAGTTCCCTATTA-3'